The following is an entry in ClinVar:

ClinVar aggregate classification (germline): Likely pathogenic (1 of 4 stars; one submission).

Conditions:
Hereditary spastic paraplegia 11. Also called: Spastic Paraplegia 11; Spastic paraplegia, mental retardation and thin corpus callosum; SPASTIC PARAPLEGIA, AUTOSOMAL RECESSIVE, COMPLICATED, WITH THIN CORPUS CALLOSUM; SPASTIC PARAPLEGIA, AUTOSOMAL RECESSIVE, WITH MENTAL IMPAIRMENT AND THIN CORPUS CALLOSUM; Nakamura Osame syndrome; Autosomal recessive hereditary spastic paraplegia, mental impairment, and thin corpus callosum. Identifiers: Orphanet 2822, MedGen C1858479, MONDO:0011445, OMIM 604360.

Allele frequency attached by ClinVar (database versions not stated): gnomAD exomes below 0.00001.
gnomAD v4.1: 3 of 1,583,180 alleles (0.00019%); highest among the groups gnomAD compares: Non-Finnish European, 0.00026%; no homozygotes.

Submission:

Labcorp Genetics (formerly Invitae), Labcorp
Classification: Likely pathogenic for Hereditary spastic paraplegia 11. Last evaluated: 2023-08-17. Review status: criteria provided, single submitter. Criteria: Invitae Variant Classification Sherloc (09022015). Collection method: clinical testing. Allele origin: germline.
Comment: This sequence change affects a donor splice site in intron 29 of the SPG11 gene. It is expected to disrupt RNA splicing. Variants that disrupt the donor or acceptor splice site typically lead to a loss of protein function (PMID: 16199547), and loss-of-function variants in SPG11 are known to be pathogenic (PMID: 19105190, 20110243, 22154821, 26556829). This variant is not present in population databases (gnomAD no frequency). This variant has not been reported in the literature in individuals affected with SPG11-related conditions. Algorithms developed to predict the effect of sequence changes on RNA splicing suggest that this variant may disrupt the consensus splice site. In summary, the currently available evidence indicates that the variant is pathogenic, but additional data are needed to prove that conclusively. Therefore, this variant has been classified as Likely Pathogenic.

Literature cited by the submitters: PubMed 16199547; PubMed 19105190; PubMed 20110243; PubMed 22154821; PubMed 26556829.

NM_025137.4(SPG11):c.5121+2T>G

Gene: SPG11 (SPG11 vesicle trafficking associated, spatacsin; minus strand). Cytogenetic location: 15q21.1.
Variant type: single nucleotide variant.
Coding change: c.5121+2T>G on transcript NM_025137.4 (MANE Select); the canonical splice donor site of the intron after coding-DNA position 5121, T replaced by G.
Molecular consequence: splice donor variant.
Genome position (GRCh38, 1-based): chr15:44,585,634, A>C on the plus strand (T>G on the coding strand, the complement: SPG11 is on the minus strand). VCF-style: chr15-44585634-A-C. GRCh37 (hg19) VCF-style: chr15-44877832-A-C.
Other names: c.5121+2T>G (NM_001411132.1, NM_001160227.2).
Identifiers: ClinVar variation 2789046 (VCV002789046.3), dbSNP rs2505300845, ClinGen allele CA392223264.